The following is an entry in ClinVar:

ClinVar aggregate classification (germline): Benign (1 of 4 stars; one submission).

Allele frequency attached by ClinVar (database versions not stated): gnomAD 0.42489 and 0.42653; TOPMed 0.43089; 1000 Genomes Project 0.43271; 1000 Genomes Project 30x 0.43551.
gnomAD v4.1: 64,488 of 151,980 alleles (42%); highest among the groups gnomAD compares: East Asian, 54%; 13,908 homozygotes.

Submission:

GeneDx
Classification: Benign. Last evaluated: 2018-06-18. Review status: criteria provided, single submitter. Criteria: GeneDx Variant Classification (06012015). Collection method: clinical testing. Allele origin: germline. Affected: yes.
Comment: This variant is considered likely benign or benign based on one or more of the following criteria: it is a conservative change, it occurs at a poorly conserved position in the protein, it is predicted to be benign by multiple in silico algorithms, and/or has population frequency not consistent with disease.

NM_001040142.2(SCN2A):c.3676-278G>C

Gene: SCN2A (sodium voltage-gated channel alpha subunit 2; plus strand). Cytogenetic location: 2q24.3.
Variant type: single nucleotide variant.
Coding change: c.3676-278G>C on transcript NM_001040142.2 (MANE Select); 278 bases into the intron before coding-DNA position 3676, G replaced by C.
Molecular consequence: intron variant.
Genome position (GRCh38, 1-based): chr2:165,369,848, G>C. VCF-style: chr2-165369848-G-C. GRCh37 (hg19) VCF-style: chr2-166226358-G-C.
Other names: c.3676-278G>C (NM_001040143.2, NM_001371246.1, NM_001371247.1 and 1 more transcripts).
Identifiers: ClinVar variation 684247 (VCV000684247.1), dbSNP rs59934051, ClinGen allele CA11201672.
Genomic context (GRCh38, chr2:165,369,848, plus strand): 5'-TCCATTGAGTCTGCACTGAATGAGACCAATCTACTCCCAGGCGTTCCACTGCCTCCTGAT[G>C]TAGAGAGAAGCAGCTGGCAGTCTCTCAAAAATTTTAAGCTCTTTGGGGGTACACTGAGAC-3'